The following is an entry in ClinVar:

ClinVar aggregate classification (germline): Benign (0 of 4 stars; one submission).

Conditions:
KEL-related disorder. Also called: KEL-related condition.

Allele frequency attached by ClinVar (database versions not stated): gnomAD exomes 0.00681; ExAC 0.02096; gnomAD 0.06246; 1000 Genomes Project 0.07049; TOPMed 0.07098; ESP Exome Variant Server 0.07435; 1000 Genomes Project 30x 0.07698.
gnomAD v4.1: 19,856 of 1,614,064 alleles (1.2%); highest among the groups gnomAD compares: African/African-American, 22%; 1,890 homozygotes.

Submission:

PreventionGenetics, part of Exact Sciences
Classification: Benign for KEL-related condition. Last evaluated: 2019-12-18. Review status: no assertion criteria provided. Collection method: clinical testing. Allele origin: germline.
Comment: This variant is classified as benign based on ACMG/AMP sequence variant interpretation guidelines (Richards et al. 2015 PMID: 25741868, with internal and published modifications).

NM_000420.3(KEL):c.1899A>G (p.Leu633=)

Gene: KEL (Kell metallo-endopeptidase (Kell blood group); minus strand). Cytogenetic location: 7q34.
Variant type: single nucleotide variant.
Coding change: c.1899A>G on transcript NM_000420.3 (MANE Select); coding-DNA position 1899, A replaced by G.
Protein change: p.Leu633=; no amino-acid change (leucine 633 retained).
Molecular consequence: synonymous variant.
Genome position (GRCh38, 1-based): chr7:142,942,917, T>C on the plus strand (A>G on the coding strand, the complement: KEL is on the minus strand). VCF-style: chr7-142942917-T-C. GRCh37 (hg19) VCF-style: chr7-142640004-T-C.
Identifiers: ClinVar variation 3056220 (VCV003056220.2), dbSNP rs8176039, ClinGen allele CA4534068.